The following is an entry in ClinVar:

ClinVar aggregate classification (germline): Likely pathogenic (1 of 4 stars; one submission).

Submission:

CeGaT Center for Human Genetics Tuebingen
Classification: Likely pathogenic. Last evaluated: 2024-04-01. Review status: criteria provided, single submitter. Criteria: CeGaT Center For Human Genetics Tuebingen Variant Classification Criteria Version 2. Collection method: clinical testing. Allele origin: germline. Affected: yes. Observed: 1 variant allele.
Comment: MYORG: PVS1:Strong, PM2

NM_020702.5(MYORG):c.2019_2023del (p.Asp674fs)

Gene: MYORG (myogenesis regulating glycosidase; minus strand). Cytogenetic location: 9p13.3.
Variant type: Deletion.
Coding change: c.2019_2023del on transcript NM_020702.5 (MANE Select); coding-DNA positions 2019 to 2023, 5 bases deleted (CGACG; older notation c.2019_2023delCGACG).
Protein change: p.Asp674fs; shifts the reading frame from aspartic acid 674.
Molecular consequence: frameshift variant.
Genome position (GRCh38, 1-based): chr9:34,370,921-34,370,925, CGTCG deleted on the plus strand (CGACG on the coding strand, the reverse complement: MYORG is on the minus strand); deleting any 5 consecutive bases within chr9:34,370,921-34,370,927 gives the same sequence; the c. name uses the placement nearest the transcript's 3' end. VCF-style (leftmost placement, unchanged base first): chr9-34370920-ACGTCG-A. GRCh37 (hg19) VCF-style: chr9-34370918-ACGTCG-A.
Other names: short protein forms D674fs.
Identifiers: ClinVar variation 3234546 (VCV003234546.20), dbSNP rs765728562, ClinGen allele CA5032784.
Genomic context (GRCh38, chr9:34,370,920, plus strand): 5'-ACCGGCGTCTTGTCGAAAAGCTCACCCTTGTAGCTGCGCCACTTGCCGGCGGGCAAATAG[ACGTCG>A]CGCTCCTGCTTGCCTGGCTCCAGCACCGGGGCCACAAGCAGCGTGTCCCCAATAAGGAAC-3'